The following is an entry in ClinVar:

ClinVar aggregate classification (germline): Uncertain significance (1 of 4 stars; one submission).

Conditions:
DK1-congenital disorder of glycosylation. Also called: CDG Im; DK1 DEFICIENCY; DOLICHOL KINASE DEFICIENCY; CONGENITAL DISORDER OF GLYCOSYLATION, TYPE Im; DK1-CDG; DOLK-congenital disorder of glycosylation. Identifiers: Orphanet 91131, MedGen C1835849, MONDO:0012556, OMIM 610768.

Submission:

Labcorp Genetics (formerly Invitae), Labcorp
Classification: Uncertain significance for DK1-congenital disorder of glycosylation. Last evaluated: 2021-04-29. Review status: criteria provided, single submitter. Criteria: Invitae Variant Classification Sherloc (09022015). Collection method: clinical testing. Allele origin: germline.
Comment: In summary, the available evidence is currently insufficient to determine the role of this variant in disease. Therefore, it has been classified as a Variant of Uncertain Significance. Algorithms developed to predict the effect of missense changes on protein structure and function are either unavailable or do not agree on the potential impact of this missense change (SIFT: "Tolerated"; PolyPhen-2: "Probably Damaging"; Align-GVGD: "Class C0"). This variant has not been reported in the literature in individuals with DOLK-related conditions. This variant is not present in population databases (ExAC no frequency). This sequence change replaces tyrosine with phenylalanine at codon 410 of the DOLK protein (p.Tyr410Phe). The tyrosine residue is highly conserved and there is a small physicochemical difference between tyrosine and phenylalanine.

NM_014908.4(DOLK):c.1229A>T (p.Tyr410Phe)

Gene: DOLK (dolichol kinase; minus strand). Cytogenetic location: 9q34.11.
Variant type: single nucleotide variant.
Coding change: c.1229A>T on transcript NM_014908.4 (MANE Select); coding-DNA position 1229, A replaced by T.
Protein change: p.Tyr410Phe; replaces tyrosine 410 with phenylalanine.
Molecular consequence: missense variant.
Genome position (GRCh38, 1-based): chr9:128,946,075, T>A on the plus strand (A>T on the coding strand, the complement: DOLK is on the minus strand). VCF-style: chr9-128946075-T-A. GRCh37 (hg19) VCF-style: chr9-131708354-T-A.
Other names: short protein forms Y410F.
Identifiers: ClinVar variation 1364590 (VCV001364590.8), dbSNP rs2131127216, ClinGen allele CA375118943.